The following is an entry in ClinVar:

NM_001961.4(EEF2):c.238G>A (p.Glu80Lys)

Gene: EEF2 (eukaryotic translation elongation factor 2; minus strand). Cytogenetic location: 19p13.3.
Variant type: single nucleotide variant.
Coding change: c.238G>A on transcript NM_001961.4 (MANE Select); coding-DNA position 238, G replaced by A.
Protein change: p.Glu80Lys; replaces glutamic acid 80 with lysine.
Molecular consequence: missense variant.
Genome position (GRCh38, 1-based): chr19:3,983,272, C>T on the plus strand (G>A on the coding strand, the complement: EEF2 is on the minus strand). VCF-style: chr19-3983272-C-T. GRCh37 (hg19) VCF-style: chr19-3983270-C-T.
Other names: short protein forms E80K.
Identifiers: ClinVar variation 2581454 (VCV002581454.1), dbSNP rs35967493, ClinGen allele CA304445113.
Genomic context (GRCh38, chr19:3,983,272, plus strand): 5'-TGAGGAAGCCGGCACCGTCCTTGCTCTGCTTGATGAAGTTCAAGTCATTCTCCGAGAGCT[C>T]GTAGAAGAGGGAGATGGCACTGATGGAGGGAGGGACTCGTCAGGGGGACAGGAGCCACAC-3'
Protein context (NP_001952.1, residues 70-90): IKSTAISLFY[Glu80Lys]LSENDLNFIK

ClinVar aggregate classification (germline): Uncertain significance (1 of 4 stars; one submission).

Allele frequency attached by ClinVar (database versions not stated): gnomAD exomes below 0.00001.

Submission:

Women's Health and Genetics/Laboratory Corporation of America, LabCorp
Classification: Uncertain significance. Last evaluated: 2023-08-30. Review status: criteria provided, single submitter. Criteria: LabCorp Variant Classification Summary - May 2015. Collection method: clinical testing. Allele origin: germline.
Comment: Variant summary: EEF2 c.238G>A (p.Glu80Lys) results in a conservative amino acid change located in the Translational (tr)-type GTP-binding domain (IPR000795) of the encoded protein sequence. Four of five in-silico tools predict a benign effect of the variant on protein function. The variant allele was found at a frequency of 4e-06 in 249618 control chromosomes (gnomAD). The available data on variant occurrences in the general population are insufficient to allow any conclusion about variant significance. To our knowledge, no occurrence of c.238G>A in individuals affected with Spinocerebellar Ataxia Type 26 and no experimental evidence demonstrating its impact on protein function have been reported. No submitters have cited clinical-significance assessments for this variant to ClinVar after 2014. Based on the evidence outlined above, the variant was classified as uncertain significance.